The following is an entry in ClinVar:

NM_000052.7(ATP7A):c.3621G>A (p.Glu1207=)

Gene: ATP7A (ATPase copper transporting alpha; plus strand). Cytogenetic location: Xq21.1.
Variant type: single nucleotide variant.
Coding change: c.3621G>A on transcript NM_000052.7 (MANE Select); coding-DNA position 3621, G replaced by A.
Protein change: p.Glu1207=; no amino-acid change (glutamic acid 1207 retained).
Molecular consequence: synonymous variant. On other transcripts: non-coding transcript variant (1).
Genome position (GRCh38, 1-based): chrX:78,038,945, G>A. VCF-style: chrX-78038945-G-A. GRCh37 (hg19) VCF-style: chrX-77294443-G-A.
Other names: c.3387G>A, p.Glu1129= (NM_001282224.2).
Identifiers: ClinVar variation 533686 (VCV000533686.37), dbSNP rs141535376, ClinGen allele CA10459444.

ClinVar aggregate classification (germline): Benign/Likely benign. Review status: criteria provided, multiple submitters, no conflicts (2 of 4 stars). 3 submissions from 3 submitters: Benign (1); Likely benign (2). Last evaluated 2025-12-15.

Conditions:
Menkes kinky-hair syndrome (MNK). Also called: Copper transport disease; Menkes Disease; Classic Menkes Disease. Identifiers: Orphanet 565, MedGen C0022716, MONDO:0010651, OMIM 309400.
Cutis laxa, X-linked (OHS). Also called: EDS IX; Occipital horn syndrome. Identifiers: Orphanet 198, MedGen C0268353, MONDO:0010572, OMIM 304150.
X-linked distal spinal muscular atrophy type 3. Also called: ATP7A-Related Distal Motor Neuropathy; SPINAL MUSCULAR ATROPHY, DISTAL, X-LINKED RECESSIVE; NEURONOPATHY, DISTAL HEREDITARY MOTOR, X-LINKED; NEUROPATHY, DISTAL HEREDITARY MOTOR, X-LINKED. Identifiers: Orphanet 139557, MedGen C1845359, MONDO:0010338, OMIM 300489.

Allele frequency attached by ClinVar (database versions not stated): gnomAD exomes 0.00004 and 0.00016; TOPMed 0.00011; gnomAD 0.00013 and 0.00023; ExAC 0.00019; ESP Exome Variant Server 0.00019; 1000 Genomes Project 30x 0.00104; 1000 Genomes Project 0.00106.
gnomAD v4.1: 81 of 1,209,991 alleles (0.0067%); highest among the groups gnomAD compares: East Asian, 0.074%; no homozygotes.

Submissions (3):

Labcorp Genetics (formerly Invitae), Labcorp
Classification: Benign for X-linked distal spinal muscular atrophy type 3; Cutis laxa, X-linked; Menkes kinky-hair syndrome. Last evaluated: 2025-12-15. Review status: criteria provided, single submitter. Criteria: Invitae Variant Classification Sherloc (09022015). Collection method: clinical testing. Allele origin: germline.

Blueprint Genetics
Classification: Likely benign. Last evaluated: 2024-10-23. Review status: criteria provided, single submitter. Criteria: ACMG Guidelines, 2015. Collection method: clinical testing. Allele origin: germline.

CeGaT Center for Human Genetics Tuebingen
Classification: Likely benign. Last evaluated: 2022-07-01. Review status: criteria provided, single submitter. Criteria: CeGaT Center For Human Genetics Tuebingen Variant Classification Criteria Version 2. Collection method: clinical testing. Allele origin: germline. Affected: yes. Observed: 1 variant allele.
Comment: ATP7A: BP4, BP7